The following is an entry in ClinVar:

ClinVar aggregate classification (germline): Uncertain significance. Review status: criteria provided, multiple submitters, no conflicts (2 of 4 stars). 2 submissions from 2 submitters: Uncertain significance (2). Last evaluated 2023-03-22.

Conditions:
Immunodeficiency 51 (IMD51). Also called: CANDIDIASIS, FAMILIAL, 5. Identifiers: Orphanet 1334, MedGen C4310803, MONDO:0013500, OMIM 613953.

Allele frequency attached by ClinVar (database versions not stated): TOPMed 0.00002; gnomAD 0.00003.
gnomAD v4.1: 117 of 1,552,500 alleles (0.0075%); highest among the groups gnomAD compares: Non-Finnish European, 0.0093%; 1 homozygote.

Submissions (2):

Ambry Genetics
Classification: Uncertain significance. Last evaluated: 2023-03-22. Review status: criteria provided, single submitter. Criteria: Ambry Variant Classification Scheme 2023. Collection method: clinical testing. Allele origin: germline.

Labcorp Genetics (formerly Invitae), Labcorp
Classification: Uncertain significance for Immunodeficiency 51. Last evaluated: 2021-08-20. Review status: criteria provided, single submitter. Criteria: Invitae Variant Classification Sherloc (09022015). Collection method: clinical testing. Allele origin: germline.
Comment: This sequence change replaces asparagine with lysine at codon 851 of the IL17RA protein (p.Asn851Lys). The asparagine residue is moderately conserved and there is a moderate physicochemical difference between asparagine and lysine. The frequency data for this variant in the population databases is considered unreliable, as metrics indicate insufficient coverage at this position in the ExAC database. This variant has not been reported in the literature in individuals affected with IL17RA-related conditions. Algorithms developed to predict the effect of missense changes on protein structure and function (SIFT, PolyPhen-2, Align-GVGD) all suggest that this variant is likely to be tolerated. In summary, the available evidence is currently insufficient to determine the role of this variant in disease. Therefore, it has been classified as a Variant of Uncertain Significance.

NM_014339.7(IL17RA):c.2553C>A (p.Asn851Lys)

Gene: IL17RA (interleukin 17 receptor A; plus strand). Cytogenetic location: 22q11.1.
Variant type: single nucleotide variant.
Coding change: c.2553C>A on transcript NM_014339.7 (MANE Select); coding-DNA position 2553, C replaced by A.
Protein change: p.Asn851Lys; replaces asparagine 851 with lysine.
Molecular consequence: missense variant.
Genome position (GRCh38, 1-based): chr22:17,109,772, C>A. VCF-style: chr22-17109772-C-A. GRCh37 (hg19) VCF-style: chr22-17590662-C-A.
Other names: c.2451C>A, p.Asn817Lys (NM_001289905.2); c.2553C>A (NM_014339.5); short protein forms N851K, N817K.
Identifiers: ClinVar variation 571288 (VCV000571288.9), dbSNP rs1281144372, ClinGen allele CA410222450.